The following is an entry in ClinVar:

ClinVar aggregate classification (germline): Uncertain significance (1 of 4 stars; one submission).

Conditions:
Inborn genetic diseases. Identifiers: MedGen C0950123, MeSH D030342.

gnomAD v4.1: 1 of 1,613,038 alleles (0.000062%); highest among the groups gnomAD compares: African/African-American, 0.0013%; no homozygotes.

Submission:

Ambry Genetics
Classification: Uncertain significance for Inborn genetic diseases. Last evaluated: 2024-05-10. Review status: criteria provided, single submitter. Criteria: Ambry Variant Classification Scheme 2023. Collection method: clinical testing. Allele origin: germline.
Comment: The p.T1033I variant (also known as c.3098C>T), located in coding exon 24 of the LRRK2 gene, results from a C to T substitution at nucleotide position 3098. The threonine at codon 1033 is replaced by isoleucine, an amino acid with similar properties. This amino acid position is conserved. In addition, this alteration is predicted to be tolerated by in silico analysis. Based on the available evidence, the clinical significance of this variant remains unclear.

NM_198578.4(LRRK2):c.3098C>T (p.Thr1033Ile)

Gene: LRRK2 (leucine rich repeat kinase 2; plus strand). Cytogenetic location: 12q12.
Variant type: single nucleotide variant.
Coding change: c.3098C>T on transcript NM_198578.4 (MANE Select); coding-DNA position 3098, C replaced by T.
Protein change: p.Thr1033Ile; replaces threonine 1033 with isoleucine.
Molecular consequence: missense variant.
Genome position (GRCh38, 1-based): chr12:40,298,244, C>T. VCF-style: chr12-40298244-C-T. GRCh37 (hg19) VCF-style: chr12-40692046-C-T.
Other names: short protein forms T1033I.
Identifiers: ClinVar variation 3292004 (VCV003292004.1).